The following continues an entry in ClinVar:

NM_000540.3(RYR1):c.14524G>A (p.Val4842Met)

Gene: RYR1. ClinVar aggregate classification (germline): Uncertain significance. Uncertain significance (1).

Submissions 6 to 20 of 20:

Labcorp Genetics (formerly Invitae), Labcorp
Classification: Uncertain significance for RYR1-related disorder. Last evaluated: 2025-01-08. Review status: criteria provided, single submitter. Criteria: Invitae Variant Classification Sherloc (09022015). Collection method: clinical testing. Allele origin: germline. Not counted in ClinVar's aggregate classification.
Comment: This sequence change replaces valine, which is neutral and non-polar, with methionine, which is neutral and non-polar, at codon 4842 of the RYR1 protein (p.Val4842Met). This variant is present in population databases (rs193922879, gnomAD 0.07%). This missense change has been observed in individual(s) with with autosomal recessive congenital myopathy and an individual affected with malignant hyperthermia susceptibility. In some cases, this variant occurred on the same chromosome as the c.10348‚Äì6C>G variant (PMID: 18253926, 20839240, 21062345, 21455645, 23394784, 23553484, 23553787, 26019235, 27854218, 28818389, 35627144). ClinVar contains an entry for this variant (Variation ID: 133075). Invitae Evidence Modeling of protein sequence and biophysical properties (such as structural, functional, and spatial information, amino acid conservation, physicochemical variation, residue mobility, and thermodynamic stability) indicates that this missense variant is expected to disrupt RYR1 protein function with a positive predictive value of 80%. In summary, the available evidence is currently insufficient to determine the role of this variant in disease. Therefore, it has been classified as a Variant of Uncertain Significance.

All of Us Research Program, National Institutes of Health
Classification: Uncertain significance for Malignant hyperthermia, susceptibility to, 1. Last evaluated: 2024-08-06. Review status: criteria provided, single submitter. Criteria: ACMG Guidelines, 2015. Collection method: clinical testing. Allele origin: germline. Inheritance: Autosomal dominant inheritance. Observed: 32 variant alleles, 32 heterozygotes. Not counted in ClinVar's aggregate classification.
Comment: This missense variant replaces valine with methionine at codon 4842 of the RYR1 protein. Computational prediction suggests that this variant may have deleterious impact on protein structure and function (internally defined REVEL score threshold >= 0.7, PMID: 27666373). To our knowledge, functional studies have not been reported for this variant. This variant has been reported in one individual affected with autosomal dominant malignant hyperthermia (PMID: 21455645). This variant has been associated with other phenotype(s) (ClinVar Variation ID: 133075). This variant has been identified in 21/282634 chromosomes in the general population by the Genome Aggregation Database (gnomAD). Due to insufficient evidence, this variant is classified as a Variant of Uncertain Significance for autosomal dominant malignant hyperthermia.

This study involves interpretation of variants in research participants for the purpose of population health screening. Participant phenotype was not available at the time of variant classification. Additional details can be found in publication PMID: 35346344, PMCID: PMC8962531

Muscle and Diseases Team, Institut de Génétique et Biologie Moléculaire et Cellulaire
Classification: Likely pathogenic for Congenital multicore myopathy with external ophthalmoplegia. Last evaluated: 2024-03-01. Review status: criteria provided, single submitter. Criteria: ACMG Guidelines, 2015. Collection method: research. Allele origin: paternal. Affected: yes. Observed: 1 variant allele. Not counted in ClinVar's aggregate classification.
Comment: PM1+PM2+PP2+PP3

Division of Human Genetics, National Health Laboratory Service/University of the Witwatersrand
Classification: Uncertain significance for RYR1-Related Disorders. Last evaluated: 2023-07-01. Review status: criteria provided, single submitter. Criteria: ACMG Guidelines, 2015. Collection method: research. Allele origin: unknown. Not counted in ClinVar's aggregate classification.

Athena Diagnostics
Classification: Uncertain significance. Last evaluated: 2023-02-21. Review status: criteria provided, single submitter. Criteria: Athena Diagnostics Criteria. Collection method: clinical testing. Allele origin: unknown. Not counted in ClinVar's aggregate classification.
Comment: Available data are insufficient to determine the clinical significance of the variant at this time. The frequency of this variant in the general population is uninformative in assessment of its pathogenicity. Computational tools predict that this variant is damaging.

Laboratory for Molecular Medicine, Mass General Brigham Personalized Medicine
Classification: Likely pathogenic for Neuromuscular disease. Last evaluated: 2022-11-03. Review status: criteria provided, single submitter. Criteria: ACMG Guidelines, 2015. Collection method: clinical testing. Allele origin: germline. Inheritance: Autosomal recessive inheritance. Not counted in ClinVar's aggregate classification.
Comment: The p.Val4842Met variant in RYR1 has been reported in compound heterozygosity in 13 individuals with centronuclear myopathy (Monneri 2008 PMID: 18253926, Wilmshurst 2010 PMID: 20839240, Bevilacqua 2011 PMID: 21062345). This variant segregated with disease in 3 affected relatives with centronuclear myopathy in 2 families. In the 13 individuals with centronuclear myopathy, the p.Val4842Met variant always occurred in conjunction with the c.10348-6C>G variant on the same copy of the gene (in cis). The p.Val4842Met variant has also been identified in 2/10334 of African chromosomes by the Exome Aggregation Consortium (ExAC; dbSNP rs193922879). Computational prediction tools and conservation analysis suggest that the p.Val4842Met variant may impact the protein, though this information is not predictive enough to determine pathogenicity. In summary, although additional studies are required to fully establish its clinical significance, the p.Val4842Met variant is likely pathogenic for centronuclear myopathy in an autosomal recessive manner. ACMG/AMP criteria applied: PM3_Strong, PP1, PP3.

Department of Pathology and Laboratory Medicine, Sinai Health System
Classification: Pathogenic for Congenital multicore myopathy with external ophthalmoplegia; Central core myopathy; King Denborough syndrome. Last evaluated: 2022-09-19. Review status: criteria provided, single submitter. Criteria: ACMG Guidelines, 2015. Collection method: research. Allele origin: germline. Not counted in ClinVar's aggregate classification.

Mendelics
Classification: Uncertain significance. Last evaluated: 2022-05-04. Review status: criteria provided, single submitter. Criteria: Mendelics Assertion Criteria 2019. Collection method: clinical testing. Allele origin: germline. Not counted in ClinVar's aggregate classification.

Fulgent Genetics
Classification: Uncertain significance for Central core myopathy; Malignant hyperthermia, susceptibility to, 1; Congenital myopathy 4A, autosomal dominant; Congenital multicore myopathy with external ophthalmoplegia; King Denborough syndrome. Last evaluated: 2021-09-27. Review status: criteria provided, single submitter. Criteria: ACMG Guidelines, 2015. Collection method: clinical testing. Allele origin: unknown. Not counted in ClinVar's aggregate classification.

CeGaT Center for Human Genetics Tuebingen
Classification: Likely pathogenic. Last evaluated: 2019-07-01. Review status: criteria provided, single submitter. Criteria: CeGaT Center For Human Genetics Tuebingen Variant Classification Criteria Version 2. Collection method: clinical testing. Allele origin: germline. Affected: yes. Observed: 2 variant alleles. Not counted in ClinVar's aggregate classification.

Eurofins Ntd Llc (ga)
Classification: Uncertain significance. Last evaluated: 2017-08-15. Review status: criteria provided, single submitter. Criteria: EGL Classification Definitions 2015. Collection method: clinical testing. Allele origin: germline. Observed: 2 variant alleles, 2 heterozygotes. Not counted in ClinVar's aggregate classification.

Illumina Laboratory Services, Illumina
Classification: Uncertain significance for Malignant hyperthermia, susceptibility to, 1. Last evaluated: 2017-04-27. Review status: criteria provided, single submitter. Criteria: ICSL Variant Classification Criteria 13 December 2019. Collection method: clinical testing. Allele origin: germline. Not counted in ClinVar's aggregate classification.

PreventionGenetics, part of Exact Sciences
Classification: Uncertain significance for RYR1-related condition. Last evaluated: 2024-02-02. Review status: no assertion criteria provided. Collection method: clinical testing. Allele origin: germline. Not counted in ClinVar's aggregate classification.
Comment: The RYR1 c.14524G>A variant is predicted to result in the amino acid substitution p.Val4842Met. This variant, along with the c.10348-6C>G variant on the same allele, has been documented in at least three unrelated families with autosomal recessive RYR1-related congenital myopathy (Monnier et al. 2008. PubMed ID: 18253926; Wilmshurst et al. 2010. PubMed ID: 20839240; Bevilacqua et al. 2011. PubMed ID: 21062345). The c.10348-6C>G variant is predicted to weaken the canonical acceptor splice site at the junction of intron 68 and exon 69 based on available splicing prediction programs (Alamut Visual v2.11). The c.14524G>A (p.Val4842Met) has been classified as a variant of uncertain clinical significance by the ClinGen Malignant Hyperthermia Susceptibility Variant Curation Expert Panel. This variant is reported in 0.077% of alleles in individuals of Ashkenazi Jewish descent in gnomAD. While the clinical significance of the c.14524G>A variant by itself is uncertain, we classify this combined haplotype (c.10348-6G>C and c.14524G>A (p.Val4842Met)) as pathogenic.

CSER _CC_NCGL, University of Washington
Classification: Uncertain significance for Myopathy, congenital with cores. Last evaluated: 2014-06-01. Review status: no assertion criteria provided. Collection method: research. Allele origin: germline. Inheritance: Autosomal dominant inheritance. Study: ESP 6500 variant annotation. Not counted in ClinVar's aggregate classification.
Comment: Variants classified for the Actionable exomic incidental findings in 6503 participants: challenges of variant classification manuscript

RYR1 database
No classification provided. Review status: no classification provided. Collection method: not provided. Allele origin: unknown. Not counted in ClinVar's aggregate classification.

Literature cited by the submitters: PubMed 20839240 (cited by 5 submitters); PubMed 32403337 (cited by 3 submitters); PubMed 21062345 (cited by 6 submitters); PubMed 27854218 (cited by 4 submitters); PubMed 28818389 (cited by 5 submitters); PubMed 18253926 (cited by 5 submitters); PubMed 21455645 (cited by 6 submitters); PubMed 23553787 (cited by 4 submitters); PubMed 39891418 (cited by Women's Health and Genetics/Laboratory Corporation of America, LabCorp); PubMed 39966651 (cited by Women's Health and Genetics/Laboratory Corporation of America, LabCorp); PubMed 41153347 (cited by Women's Health and Genetics/Laboratory Corporation of America, LabCorp); PubMed 20301325 (cited by Rady Children's Institute for Genomic Medicine, Rady Children's Hospital San Diego); PubMed 30872186 (cited by Rady Children's Institute for Genomic Medicine, Rady Children's Hospital San Diego and Athena Diagnostics); PubMed 30932294 (cited by Rady Children's Institute for Genomic Medicine, Rady Children's Hospital San Diego); PubMed 12486242 (cited by Rady Children's Institute for Genomic Medicine, Rady Children's Hospital San Diego); PubMed 28687594 (cited by Rady Children's Institute for Genomic Medicine, Rady Children's Hospital San Diego); PubMed 23394784 (cited by Labcorp Genetics (formerly Invitae), Labcorp and Athena Diagnostics); PubMed 23553484 (cited by Labcorp Genetics (formerly Invitae), Labcorp and Athena Diagnostics); PubMed 26019235 (cited by Labcorp Genetics (formerly Invitae), Labcorp and Athena Diagnostics); PubMed 35627144 (cited by Labcorp Genetics (formerly Invitae), Labcorp and Athena Diagnostics); DOI 10.1186/s13073-024-01353-0 (cited by Muscle and Diseases Team, Institut de Génétique et Biologie Moléculaire et Cellulaire); PubMed 30611313 (cited by Athena Diagnostics); PubMed 34428338 (cited by Athena Diagnostics); PubMed 26068069 (cited by Athena Diagnostics); PubMed 22473935 (cited by Athena Diagnostics); PubMed 25637381 (cited by Laboratory for Molecular Medicine, Mass General Brigham Personalized Medicine); PubMed 24195946 (cited by Laboratory for Molecular Medicine, Mass General Brigham Personalized Medicine); PubMed 24627108 (cited by Laboratory for Molecular Medicine, Mass General Brigham Personalized Medicine).